The following is an entry in ClinVar:

NM_000642.3(AGL):c.3503T>A (p.Val1168Asp)

Gene: AGL (amylo-alpha-1,6-glucosidase and 4-alpha-glucanotransferase; plus strand). Cytogenetic location: 1p21.2.
Variant type: single nucleotide variant.
Coding change: c.3503T>A on transcript NM_000642.3 (MANE Select); coding-DNA position 3503, T replaced by A.
Protein change: p.Val1168Asp; replaces valine 1168 with aspartic acid.
Molecular consequence: missense variant.
Genome position (GRCh38, 1-based): chr1:99,900,776, T>A. VCF-style: chr1-99900776-T-A. GRCh37 (hg19) VCF-style: chr1-100366332-T-A.
Other names: c.3503T>A, p.Val1168Asp (NM_000028.3, NM_000643.3, NM_000644.3 and 1 more transcripts); c.3455T>A, p.Val1152Asp (NM_000646.3); c.3482T>A, p.Val1161Asp (NM_001425326.1); c.3302T>A, p.Val1101Asp (NM_001425327.1); c.3299T>A, p.Val1100Asp (NM_001425328.1); c.3164T>A, p.Val1055Asp (NM_001425329.1); c.3125T>A, p.Val1042Asp (NM_001425332.1); short protein forms V1168D, V1152D, V1042D, V1055D, V1100D, V1101D, V1161D.
Identifiers: ClinVar variation 1444050 (VCV001444050.5), dbSNP rs1247591998, ClinGen allele CA341332039.

ClinVar aggregate classification (germline): Uncertain significance (1 of 4 stars; one submission).

Conditions:
Glycogen storage disease type III (GSD3). Also called: FORBES DISEASE; Cori disease. Identifiers: Orphanet 366, MedGen C0017922, MONDO:0009291, OMIM 232400.

Allele frequency attached by ClinVar (database versions not stated): gnomAD exomes below 0.00001; TOPMed below 0.00001; gnomAD 0.00001.
gnomAD v4.1: 7 of 1,614,022 alleles (0.00043%); highest among the groups gnomAD compares: Non-Finnish European, 0.00059%; no homozygotes.

Submission:

Labcorp Genetics (formerly Invitae), Labcorp
Classification: Uncertain significance for Glycogen storage disease type III. Last evaluated: 2022-03-08. Review status: criteria provided, single submitter. Criteria: Invitae Variant Classification Sherloc (09022015). Collection method: clinical testing. Allele origin: germline.
Comment: This sequence change replaces valine, which is neutral and non-polar, with aspartic acid, which is acidic and polar, at codon 1168 of the AGL protein (p.Val1168Asp). This variant is not present in population databases (gnomAD no frequency). This variant has not been reported in the literature in individuals affected with AGL-related conditions. Algorithms developed to predict the effect of missense changes on protein structure and function are either unavailable or do not agree on the potential impact of this missense change (SIFT: "Deleterious"; PolyPhen-2: "Benign"; Align-GVGD: "Class C0"). In summary, the available evidence is currently insufficient to determine the role of this variant in disease. Therefore, it has been classified as a Variant of Uncertain Significance.